The following is an entry in ClinVar:

ClinVar aggregate classification (germline): Uncertain significance. Review status: criteria provided, multiple submitters, no conflicts (2 of 4 stars). 4 submissions from 4 submitters: Uncertain significance (4). Last evaluated 2025-06-17.

Conditions:
Inborn genetic diseases. Identifiers: MedGen C0950123, MeSH D030342.
Congenital disorder of deglycosylation (CDDG). Identifiers: MedGen C3808991, MONDO:0031376.

Allele frequency attached by ClinVar (database versions not stated): TOPMed 0.00030; gnomAD exomes 0.00001; gnomAD 0.00009 and 0.00010; ExAC 0.00002.
gnomAD v4.1: 25 of 1,614,010 alleles (0.0015%); highest among the groups gnomAD compares: Admixed American, 0.032%; no homozygotes.

Submissions (4):

GeneDx
Classification: Uncertain significance. Last evaluated: 2025-06-17. Review status: criteria provided, single submitter. Criteria: GeneDx Variant Classification Process June 2021. Collection method: clinical testing. Allele origin: germline. Affected: yes.
Comment: Not observed at significant frequency in large population cohorts (gnomAD); In silico analysis suggests that this missense variant does not alter protein structure/function; Has not been previously published as pathogenic or benign to our knowledge

Labcorp Genetics (formerly Invitae), Labcorp
Classification: Uncertain significance for Congenital disorder of deglycosylation. Last evaluated: 2025-01-20. Review status: criteria provided, single submitter. Criteria: Invitae Variant Classification Sherloc (09022015). Collection method: clinical testing. Allele origin: germline.
Comment: This sequence change replaces glutamic acid, which is acidic and polar, with aspartic acid, which is acidic and polar, at codon 239 of the NGLY1 protein (p.Glu239Asp). This variant is present in population databases (rs754083716, gnomAD no frequency). This variant has not been reported in the literature in individuals affected with NGLY1-related conditions. ClinVar contains an entry for this variant (Variation ID: 474232). Invitae Evidence Modeling of protein sequence and biophysical properties (such as structural, functional, and spatial information, amino acid conservation, physicochemical variation, residue mobility, and thermodynamic stability) indicates that this missense variant is not expected to disrupt NGLY1 protein function with a negative predictive value of 80%. In summary, the available evidence is currently insufficient to determine the role of this variant in disease. Therefore, it has been classified as a Variant of Uncertain Significance.

Ambry Genetics
Classification: Uncertain significance for Inborn genetic diseases. Last evaluated: 2021-04-03. Review status: criteria provided, single submitter. Criteria: Ambry Variant Classification Scheme 2023. Collection method: clinical testing. Allele origin: germline.
Comment: The c.717A>C (p.E239D) alteration is located in exon 5 (coding exon 5) of the NGLY1 gene. This alteration results from a A to C substitution at nucleotide position 717, causing the glutamic acid (E) at amino acid position 239 to be replaced by an aspartic acid (D). The p.E239D alteration is predicted to be tolerated by in silico analysis. Based on insufficient or conflicting evidence, the clinical significance of this alteration remains unclear.

New York Genome Center
Classification: Uncertain significance for Congenital disorder of deglycosylation 1. Last evaluated: 2020-04-20. Review status: criteria provided, single submitter. Criteria: NYGC Assertion Criteria 2020. Collection method: clinical testing. Allele origin: germline. Observed: 1 heterozygote. Study: CSER-NYCKidSeq.

NM_018297.4(NGLY1):c.717A>C (p.Glu239Asp)

Gene: NGLY1 (N-glycanase 1; minus strand). Cytogenetic location: 3p24.2.
Variant type: single nucleotide variant.
Coding change: c.717A>C on transcript NM_018297.4 (MANE Select); coding-DNA position 717, A replaced by C.
Protein change: p.Glu239Asp; replaces glutamic acid 239 with aspartic acid.
Molecular consequence: missense variant.
Genome position (GRCh38, 1-based): chr3:25,739,741, T>G on the plus strand (A>C on the coding strand, the complement: NGLY1 is on the minus strand). VCF-style: chr3-25739741-T-G. GRCh37 (hg19) VCF-style: chr3-25781232-T-G.
Other names: c.717A>C, p.Glu239Asp (NM_001145293.2, NM_001145295.2); c.591A>C, p.Glu197Asp (NM_001145294.2); short protein forms E239D, E197D.
Identifiers: ClinVar variation 474232 (VCV000474232.12), dbSNP rs754083716, ClinGen allele CA2289395.